The following is an entry in ClinVar:

ClinVar aggregate classification (germline): Uncertain significance (1 of 4 stars; one submission).

gnomAD v4.1: 4 of 152,046 alleles (0.0026%); highest among the groups gnomAD compares: Non-Finnish European, 0.0029%; no homozygotes.

Submission:

CeGaT Center for Human Genetics Tuebingen
Classification: Uncertain significance. Last evaluated: 2025-03-01. Review status: criteria provided, single submitter. Criteria: CeGaT Center For Human Genetics Tuebingen Variant Classification Criteria Version 2. Collection method: clinical testing. Allele origin: germline. Affected: yes. Observed: 1 variant allele.
Comment: MYT1L: PP2

NM_001303052.2(MYT1L):c.3080+1473G>A

Gene: MYT1L (myelin transcription factor 1 like; minus strand). Cytogenetic location: 2p25.3.
Variant type: single nucleotide variant.
Coding change: c.3080+1473G>A on transcript NM_001303052.2 (MANE Select); 1473 bases into the intron after coding-DNA position 3080, G replaced by A.
Molecular consequence: intron variant.
Genome position (GRCh38, 1-based): chr2:1,837,676, C>T on the plus strand (G>A on the coding strand, the complement: MYT1L is on the minus strand). VCF-style: chr2-1837676-C-T. GRCh37 (hg19) VCF-style: chr2-1841448-C-T.
Other names: c.3074+1473G>A (NM_015025.4, NM_001329847.2, NM_001329848.1 and 3 more transcripts); c.3080+1473G>A (NM_001329844.2, NM_001329845.1, NM_001329851.3).
Identifiers: ClinVar variation 3778271 (VCV003778271.7).